The following is an entry in ClinVar:

ClinVar aggregate classification (germline): Conflicting classifications of pathogenicity. Review status: criteria provided, conflicting classifications (1 of 4 stars). 5 submissions from 5 submitters: Uncertain significance (3); Likely benign (2). Last evaluated 2025-06-14.

Conditions:
Immunodeficiency, common variable, 2 (CVID2). Also called: ANTIBODY DEFICIENCY DUE TO TACI DEFECT; HYPOGAMMAGLOBULINEMIA DUE TO TACI DEFICIENCY. Identifiers: Orphanet 1572, MedGen C3150354, MONDO:0009413, OMIM 240500.

Allele frequency attached by ClinVar (database versions not stated): gnomAD exomes 0.00010; ExAC 0.00012; gnomAD 0.00036; ESP Exome Variant Server 0.00046; 1000 Genomes Project 30x 0.00047; TOPMed 0.00048; 1000 Genomes Project 0.00060.

Submissions (5):

Labcorp Genetics (formerly Invitae), Labcorp
Classification: Likely benign for Immunodeficiency, common variable, 2. Last evaluated: 2025-06-14. Review status: criteria provided, single submitter. Criteria: Invitae Variant Classification Sherloc (09022015). Collection method: clinical testing. Allele origin: germline.

Blueprint Genetics
Classification: Likely benign. Last evaluated: 2024-11-13. Review status: criteria provided, single submitter. Criteria: ACMG Guidelines, 2015. Collection method: clinical testing. Allele origin: germline.

New York Genome Center
Classification: Uncertain significance for Immunodeficiency, common variable, 2. Last evaluated: 2020-06-26. Review status: criteria provided, single submitter. Criteria: NYGC Assertion Criteria 2020. Collection method: clinical testing. Allele origin: inherited. Observed: 1 heterozygote. Study: CSER-NYCKidSeq.

Mayo Clinic Laboratories, Mayo Clinic
Classification: Uncertain significance. Last evaluated: 2019-04-07. Review status: criteria provided, single submitter. Criteria: ACMG Guidelines, 2015. Collection method: clinical testing. Allele origin: germline. Observed: 1 variant allele.

ARUP Laboratories, Molecular Genetics and Genomics, ARUP Laboratories
Classification: Uncertain significance. Last evaluated: 2017-10-10. Review status: criteria provided, single submitter. Criteria: ARUP Molecular Germline Variant Investigation Process. Collection method: clinical testing. Allele origin: germline.
Comment: The p.Arg202Cys variant (rs143562358) has not been reported in the medical literature, gene specific variation databases, nor has it been previously identified by our laboratory. Another change at this position p.Arg202His has been reported in associated with common variable immunodeficiency (Salzer 2005). However, the p.Arg202His variant was later found in control populations and did no segregate with disease in patients with selective IgA deficiency (Pan-Hammarstrom 2007). The p.Arg202Cys variant is listed in the genome Aggregation Database (gnomAD) with an African population frequency of 0.13 percent (identified on 31 out of 24,002 chromosomes). The arginine at position 202 is weakly conserved (considering 10 species, Alamut v.2.10.0) and Rhesus and other species have cysteine at this position indicating this change may be evolutionarily tolerated. Computational analyses of the effects of the p.Arg202Cys variant on protein structure and function indicated a neutral effect (SIFT: tolerated, MutationTaster: polymorphism, PolyPhen-2: benign). Altogether, there is not enough evidence to classify the p.Arg202Cys variant with certainty.

NM_012452.3(TNFRSF13B):c.604C>T (p.Arg202Cys)

Gene: TNFRSF13B (TNF receptor superfamily member 13B; minus strand). Cytogenetic location: 17p11.2.
Variant type: single nucleotide variant.
Coding change: c.604C>T on transcript NM_012452.3 (MANE Select); coding-DNA position 604, C replaced by T.
Protein change: p.Arg202Cys; replaces arginine 202 with cysteine.
Molecular consequence: missense variant.
Genome position (GRCh38, 1-based): chr17:16,940,353, G>A on the plus strand (C>T on the coding strand, the complement: TNFRSF13B is on the minus strand). VCF-style: chr17-16940353-G-A. GRCh37 (hg19) VCF-style: chr17-16843667-G-A.
Other names: short protein forms R202C.
Identifiers: ClinVar variation 618435 (VCV000618435.22), dbSNP rs143562358, ClinGen allele CA8413927.